The following is an entry in ClinVar:

ClinVar aggregate classification (germline): Likely benign (0 of 4 stars; one submission).

Conditions:
EXT2-related disorder. Also called: EXT2-related condition.

Allele frequency attached by ClinVar (database versions not stated): ExAC 0.00001; gnomAD exomes 0.00001.
gnomAD v4.1: 10 of 1,614,098 alleles (0.00062%); highest among the groups gnomAD compares: Non-Finnish European, 0.00068%; no homozygotes.

Submission:

PreventionGenetics, part of Exact Sciences
Classification: Likely benign for EXT2-related condition. Last evaluated: 2022-11-23. Review status: no assertion criteria provided. Collection method: clinical testing. Allele origin: germline.
Comment: This variant is classified as likely benign based on ACMG/AMP sequence variant interpretation guidelines (Richards et al. 2015 PMID: 25741868, with internal and published modifications).

NM_207122.2(EXT2):c.558C>T (p.His186=)

Gene: EXT2 (exostosin glycosyltransferase 2; plus strand). Cytogenetic location: 11p11.2.
Variant type: single nucleotide variant.
Coding change: c.558C>T on transcript NM_207122.2 (MANE Select); coding-DNA position 558, C replaced by T.
Protein change: p.His186=; no amino-acid change (histidine 186 retained).
Molecular consequence: synonymous variant.
Genome position (GRCh38, 1-based): chr11:44,109,215, C>T. VCF-style: chr11-44109215-C-T. GRCh37 (hg19) VCF-style: chr11-44130765-C-T.
Other names: c.657C>T, p.His219= (NM_000401.3); c.558C>T, p.His186= (NM_001178083.3, NM_001389628.1, NM_001389630.1).
Identifiers: ClinVar variation 3045232 (VCV003045232.2), dbSNP rs748607368, ClinGen allele CA5954935.